The following is an entry in ClinVar:

NM_001377265.1(MAPT):c.709G>A (p.Gly237Ser)

Gene: MAPT (microtubule associated protein tau). Cytogenetic location: 17q21.31.
Variant type: single nucleotide variant.
Coding change: c.709G>A on transcript NM_001377265.1 (MANE Select); coding-DNA position 709, G replaced by A.
Protein change: p.Gly237Ser; replaces glycine 237 with serine.
Molecular consequence: missense variant. On other transcripts: intron variant (8).
Genome position (GRCh38, 1-based): chr17:45,983,288, G>A. VCF-style: chr17-45983288-G-A. GRCh37 (hg19) VCF-style: chr17-44060654-G-A.
Other names: c.484G>A, p.Gly162Ser (NM_001123066.4, NM_016835.5); c.709G>A, p.Gly237Ser (NM_001377266.1); c.200-3752G>A (NM_001377268.1, NM_016834.5, NM_016841.5); c.374-3752G>A (NM_005910.6, NM_001203252.2); c.287-3752G>A (NM_001123067.4, NM_001203251.2, NM_001377267.1); short protein forms G162S, G237S.
Identifiers: ClinVar variation 4538486 (VCV004538486.1).

ClinVar aggregate classification (germline): Uncertain significance (1 of 4 stars; one submission).

Conditions:
Parkinson disease, late-onset (PD). Also called: PARKINSON DISEASE, LATE-ONSET, SUSCEPTIBILITY TO; Susceptibility to Parkinson's Disease; Hereditary late onset Parkinson disease. Identifiers: Orphanet 411602, MedGen C3160718, MONDO:0008199, OMIM 168600.
Progressive supranuclear palsy-parkinsonism syndrome. Also called: Progressive supranuclear palsy atypical; Atypical PSP; PARKINSON-DEMENTIA SYNDROME; Supranuclear palsy, progressive, 1, atypical. Identifiers: Orphanet 240085, Orphanet 683, Orphanet 99750, MedGen C1850077, MONDO:0009839, OMIM 260540.

Submission:

Genetics Department, Catlab
Classification: Uncertain significance for Parkinson disease, late-onset; Progressive supranuclear palsy-parkinsonism syndrome. Last evaluated: 2025-12-18. Review status: criteria provided, single submitter. Criteria: ACMG Guidelines, 2015. Collection method: clinical testing. Allele origin: germline. Affected: yes.
Comment: The c.484G>A variant is absent from gnomAD v4.1 (PM2_moderate) and has a REVEL score of 0.005 (BP4_strong). With all the available evidence, the variant is classified as of uncertain significance.